The following is an entry in ClinVar:

ClinVar aggregate classification (germline): Uncertain significance (1 of 4 stars; one submission).

gnomAD v4.1: 1 of 1,614,018 alleles (0.000062%); highest among the groups gnomAD compares: Non-Finnish European, 0.000085%; no homozygotes.

Submission:

Labcorp Genetics (formerly Invitae), Labcorp
Classification: Uncertain significance. Last evaluated: 2022-01-26. Review status: criteria provided, single submitter. Criteria: Invitae Variant Classification Sherloc (09022015). Collection method: clinical testing. Allele origin: germline.
Comment: In summary, the available evidence is currently insufficient to determine the role of this variant in disease. Therefore, it has been classified as a Variant of Uncertain Significance. Algorithms developed to predict the effect of missense changes on protein structure and function are either unavailable or do not agree on the potential impact of this missense change (SIFT: "Deleterious"; PolyPhen-2: "Probably Damaging"; Align-GVGD: "Class C0"). This variant has not been reported in the literature in individuals affected with USH2A-related conditions. This variant is not present in population databases (gnomAD no frequency). This sequence change replaces serine, which is neutral and polar, with asparagine, which is neutral and polar, at codon 2232 of the USH2A protein (p.Ser2232Asn).

NM_206933.4(USH2A):c.6695G>A (p.Ser2232Asn)

Gene: USH2A (usherin; minus strand). Cytogenetic location: 1q41.
Variant type: single nucleotide variant.
Coding change: c.6695G>A on transcript NM_206933.4 (MANE Select); coding-DNA position 6695, G replaced by A.
Protein change: p.Ser2232Asn; replaces serine 2232 with asparagine.
Molecular consequence: missense variant.
Genome position (GRCh38, 1-based): chr1:215,993,130, C>T on the plus strand (G>A on the coding strand, the complement: USH2A is on the minus strand). VCF-style: chr1-215993130-C-T. GRCh37 (hg19) VCF-style: chr1-216166472-C-T.
Other names: short protein forms S2232N.
Identifiers: ClinVar variation 2089565 (VCV002089565.4), dbSNP rs2527606490, ClinGen allele CA344860510.